The following is an entry in ClinVar:

ClinVar aggregate classification (germline): Uncertain significance (1 of 4 stars; one submission).

Allele frequency attached by ClinVar (database versions not stated): gnomAD 0.00001; gnomAD exomes 0.00001; TOPMed 0.00001.
gnomAD v4.1: 11 of 1,614,082 alleles (0.00068%); highest among the groups gnomAD compares: African/African-American, 0.0053%; no homozygotes.

Submission:

Labcorp Genetics (formerly Invitae), Labcorp
Classification: Uncertain significance. Last evaluated: 2023-06-29. Review status: criteria provided, single submitter. Criteria: Invitae Variant Classification Sherloc (09022015). Collection method: clinical testing. Allele origin: germline.
Comment: This sequence change replaces arginine, which is basic and polar, with histidine, which is basic and polar, at codon 1283 of the ABCA1 protein (p.Arg1283His). This variant is not present in population databases (gnomAD no frequency). This variant has not been reported in the literature in individuals affected with ABCA1-related conditions. ClinVar contains an entry for this variant (Variation ID: 1943642). Advanced modeling of protein sequence and biophysical properties (such as structural, functional, and spatial information, amino acid conservation, physicochemical variation, residue mobility, and thermodynamic stability) performed at Invitae indicates that this missense variant is not expected to disrupt ABCA1 protein function. In summary, the available evidence is currently insufficient to determine the role of this variant in disease. Therefore, it has been classified as a Variant of Uncertain Significance.

NM_005502.4(ABCA1):c.3848G>A (p.Arg1283His)

Gene: ABCA1 (ATP binding cassette subfamily A member 1; minus strand). Cytogenetic location: 9q31.1.
Variant type: single nucleotide variant.
Coding change: c.3848G>A on transcript NM_005502.4 (MANE Select); coding-DNA position 3848, G replaced by A.
Protein change: p.Arg1283His; replaces arginine 1283 with histidine.
Molecular consequence: missense variant.
Genome position (GRCh38, 1-based): chr9:104,814,171, C>T on the plus strand (G>A on the coding strand, the complement: ABCA1 is on the minus strand). VCF-style: chr9-104814171-C-T. GRCh37 (hg19) VCF-style: chr9-107576452-C-T.
Other names: short protein forms R1283H.
Identifiers: ClinVar variation 1943642 (VCV001943642.5), dbSNP rs1831523453, ClinGen allele CA374317647.